The following is an entry in ClinVar:

ClinVar aggregate classification (germline): Uncertain significance (1 of 4 stars; one submission).

Conditions:
Focal segmental glomerulosclerosis 5 (FSGS5). Identifiers: Orphanet 656, MedGen C2750475, MONDO:0013191, OMIM 613237.
Charcot-Marie-Tooth disease dominant intermediate E. Also called: CHARCOT-MARIE-TOOTH NEUROPATHY WITH FOCAL SEGMENTAL GLOMERULONEPHRITIS. Identifiers: Orphanet 93114, MedGen C4302667, MONDO:0013758, OMIM 614455.

Allele frequency attached by ClinVar (database versions not stated): gnomAD exomes below 0.00001 and 0.00001; ExAC 0.00001.
gnomAD v4.1: 8 of 1,612,026 alleles (0.0005%); highest among the groups gnomAD compares: Non-Finnish European, 0.00059%; no homozygotes.

Submission:

Labcorp Genetics (formerly Invitae), Labcorp
Classification: Uncertain significance for Charcot-Marie-Tooth disease dominant intermediate E; Focal segmental glomerulosclerosis 5. Last evaluated: 2017-12-21. Review status: criteria provided, single submitter. Criteria: Invitae Variant Classification Sherloc (09022015). Collection method: clinical testing. Allele origin: germline.
Comment: This sequence change replaces aspartic acid with glycine at codon 995 of the INF2 protein (p.Asp995Gly). The aspartic acid residue is weakly conserved and there is a moderate physicochemical difference between aspartic acid and glycine. This variant is present in population databases (rs748234626, ExAC 0.002%). This variant has not been reported in the literature in individuals with INF2-related disease. In summary, the available evidence is currently insufficient to determine the role of this variant in disease. Therefore, it has been classified as a Variant of Uncertain Significance.

NM_022489.4(INF2):c.2984A>G (p.Asp995Gly)

Gene: INF2 (inverted formin 2; plus strand). Cytogenetic location: 14q32.33.
Variant type: single nucleotide variant.
Coding change: c.2984A>G on transcript NM_022489.4 (MANE Select); coding-DNA position 2984, A replaced by G.
Protein change: p.Asp995Gly; replaces aspartic acid 995 with glycine.
Molecular consequence: missense variant.
Genome position (GRCh38, 1-based): chr14:104,713,550, A>G. VCF-style: chr14-104713550-A-G. GRCh37 (hg19) VCF-style: chr14-105179887-A-G.
Other names: c.2984A>G, p.Asp995Gly (NM_001031714.4); short protein forms D995G.
Identifiers: ClinVar variation 540044 (VCV000540044.8), dbSNP rs748234626, ClinGen allele CA7373143.